The following is an entry in ClinVar:

ClinVar aggregate classification (germline): Likely pathogenic. Review status: criteria provided, multiple submitters, no conflicts (2 of 4 stars). 2 submissions from 2 submitters: Likely pathogenic (2). Last evaluated 2025-12-01.

Conditions:
Familial cancer of breast. Also called: hereditary breast carcinoma; Hereditary breast cancer; BREAST CANCER, FAMILIAL. Identifiers: Orphanet 227535, MedGen C0346153, MONDO:0016419, OMIM 114480. Disease mechanism: loss of function.
Fanconi anemia complementation group J. Also called: BRIP1-Related Fanconi Anemia. Identifiers: Orphanet 84, MedGen C1836860, MONDO:0012187, OMIM 609054.
Hereditary cancer-predisposing syndrome. Also called: Hereditary neoplastic syndrome; Hereditary Cancer Syndrome; Neoplastic Syndromes, Hereditary; Tumor predisposition. Identifiers: Orphanet 140162, MedGen C0027672, MeSH D009386, MONDO:0015356.

Submissions (2):

Ambry Genetics
Classification: Likely pathogenic for Hereditary cancer-predisposing syndrome. Last evaluated: 2025-12-01. Review status: criteria provided, single submitter. Criteria: Ambry Variant Classification Scheme 2023. Collection method: clinical testing. Allele origin: germline.
Comment: The c.1341-1G>A intronic variant results from a G to A substitution one nucleotide upstream from coding exon 9 of the BRIP1 gene. This nucleotide position is highly conserved in available vertebrate species. In silico splice site analysis predicts that this alteration will weaken the native splice acceptor site; however, direct evidence is insufficient at this time (Ambry internal data). Alterations that disrupt the canonical splice site are expected to cause aberrant splicing, resulting in an abnormal protein or a transcript that is subject to nonsense-mediated mRNA decay. As such, this alteration is classified as likely pathogenic.

Labcorp Genetics (formerly Invitae), Labcorp
Classification: Likely pathogenic for Familial cancer of breast; Fanconi anemia complementation group J. Last evaluated: 2025-08-30. Review status: criteria provided, single submitter. Criteria: Invitae Variant Classification Sherloc (09022015). Collection method: clinical testing. Allele origin: germline.
Comment: This sequence change affects an acceptor splice site in intron 9 of the BRIP1 gene. It is expected to disrupt RNA splicing. Variants that disrupt the donor or acceptor splice site typically lead to a loss of protein function (PMID: 16199547), and loss-of-function variants in BRIP1 are known to be pathogenic (PMID: 16116423, 17033622, 21964575). This variant is not present in population databases (gnomAD no frequency). Disruption of this splice site has been observed in individual(s) with breast cancer (PMID: 25452441). Algorithms developed to predict the effect of sequence changes on RNA splicing suggest that this variant may disrupt the consensus splice site. In summary, the currently available evidence indicates that the variant is pathogenic, but additional data are needed to prove that conclusively. Therefore, this variant has been classified as Likely Pathogenic.

Literature cited by the submitters: PubMed 16199547 (cited by Labcorp Genetics (formerly Invitae), Labcorp); PubMed 16116423 (cited by Labcorp Genetics (formerly Invitae), Labcorp); PubMed 17033622 (cited by Labcorp Genetics (formerly Invitae), Labcorp); PubMed 21964575 (cited by Labcorp Genetics (formerly Invitae), Labcorp); PubMed 25452441 (cited by Labcorp Genetics (formerly Invitae), Labcorp).

NM_032043.3(BRIP1):c.1341-1G>A

Gene: BRIP1 (BRCA1 interacting DNA helicase 1; minus strand). Cytogenetic location: 17q23.2.
Variant type: single nucleotide variant.
Coding change: c.1341-1G>A on transcript NM_032043.3 (MANE Select); the canonical splice acceptor site of the intron before coding-DNA position 1341, G replaced by A.
Molecular consequence: splice acceptor variant.
Genome position (GRCh38, 1-based): chr17:61,793,730, C>T on the plus strand (G>A on the coding strand, the complement: BRIP1 is on the minus strand). VCF-style: chr17-61793730-C-T. GRCh37 (hg19) VCF-style: chr17-59871091-C-T.
Identifiers: ClinVar variation 4631128 (VCV004631128.2).